The following is an entry in ClinVar:

ClinVar aggregate classification (germline): Likely pathogenic (1 of 4 stars; one submission).

Submission:

Labcorp Genetics (formerly Invitae), Labcorp
Classification: Likely pathogenic. Last evaluated: 2024-11-14. Review status: criteria provided, single submitter. Criteria: Invitae Variant Classification Sherloc (09022015). Collection method: clinical testing. Allele origin: germline.
Comment: This sequence change replaces glutamine, which is neutral and polar, with proline, which is neutral and non-polar, at codon 623 of the ABCA4 protein (p.Gln623Pro). This variant is not present in population databases (gnomAD no frequency). This variant has not been reported in the literature in individuals affected with ABCA4-related conditions. Invitae Evidence Modeling of protein sequence and biophysical properties (such as structural, functional, and spatial information, amino acid conservation, physicochemical variation, residue mobility, and thermodynamic stability) indicates that this missense variant is expected to disrupt ABCA4 protein function with a positive predictive value of 95%. This variant disrupts the p.Gln623 amino acid residue in ABCA4. Other variant(s) that disrupt this residue have been determined to be pathogenic (PMID: 21911583, 32619608). This suggests that this residue is clinically significant, and that variants that disrupt this residue are likely to be disease-causing. In summary, the currently available evidence indicates that the variant is pathogenic, but additional data are needed to prove that conclusively. Therefore, this variant has been classified as Likely Pathogenic.

Literature cited by the submitters: PubMed 21911583; PubMed 32619608.

NM_000350.3(ABCA4):c.1868A>C (p.Gln623Pro)

Gene: ABCA4 (ATP binding cassette subfamily A member 4; minus strand). Cytogenetic location: 1p22.1.
Variant type: single nucleotide variant.
Coding change: c.1868A>C on transcript NM_000350.3 (MANE Select); coding-DNA position 1868, A replaced by C.
Protein change: p.Gln623Pro; replaces glutamine 623 with proline.
Molecular consequence: missense variant.
Genome position (GRCh38, 1-based): chr1:94,062,646, T>G on the plus strand (A>C on the coding strand, the complement: ABCA4 is on the minus strand). VCF-style: chr1-94062646-T-G. GRCh37 (hg19) VCF-style: chr1-94528202-T-G.
Other names: c.1868A>C, p.Gln623Pro (NM_001425324.1); short protein forms Q623P.
Identifiers: ClinVar variation 3718992 (VCV003718992.2).